The following is an entry in ClinVar:

ClinVar aggregate classification (germline): Conflicting classifications of pathogenicity. Review status: criteria provided, conflicting classifications (1 of 4 stars). 9 submissions from 9 submitters: Uncertain significance (8); Likely benign (1). Last evaluated 2025-12-13.

Conditions:
Familial thoracic aortic aneurysm and aortic dissection (TAAD). Also called: Thoracic aortic aneurysms and dissections. Identifiers: Orphanet 91387, MedGen C4707243, MONDO:0019625.
Aortic aneurysm, familial thoracic 4 (AAT4). Also called: AORTIC ANEURYSM/AORTIC DISSECTION AND PATENT DUCTUS ARTERIOSUS. Identifiers: MedGen C1851504, MONDO:0007568, OMIM 132900.

Allele frequency attached by ClinVar (database versions not stated): ExAC 0.00002; gnomAD exomes 0.00002 and 0.00006; gnomAD 0.00005; TOPMed 0.00005; ESP Exome Variant Server 0.00015.
gnomAD v4.1: 98 of 1,614,046 alleles (0.0061%); highest among the groups gnomAD compares: Non-Finnish European, 0.0077%; no homozygotes.

Submissions (9):

Labcorp Genetics (formerly Invitae), Labcorp
Classification: Uncertain significance for Aortic aneurysm, familial thoracic 4. Last evaluated: 2025-12-13. Review status: criteria provided, single submitter. Criteria: Invitae Variant Classification Sherloc (09022015). Collection method: clinical testing. Allele origin: germline.
Comment: This sequence change replaces tryptophan, which is neutral and slightly polar, with cysteine, which is neutral and slightly polar, at codon 839 of the MYH11 protein (p.Trp839Cys). This variant is present in population databases (rs369196744, gnomAD 0.008%). This missense change has been observed in individual(s) with Marfan syndrome (this individual also carried a pathogenic FBN1 variant) and/or thoracic aortic aneurysm and dissection (PMID: 25944730; internal data). ClinVar contains an entry for this variant (Variation ID: 180417). Invitae Evidence Modeling of protein sequence and biophysical properties (such as structural, functional, and spatial information, amino acid conservation, physicochemical variation, residue mobility, and thermodynamic stability) indicates that this missense variant is not expected to disrupt MYH11 protein function with a negative predictive value of 95%. In summary, the available evidence is currently insufficient to determine the role of this variant in disease. Therefore, it has been classified as a Variant of Uncertain Significance.

GeneDx
Classification: Uncertain significance. Last evaluated: 2024-09-19. Review status: criteria provided, single submitter. Criteria: GeneDx Variant Classification Process June 2021. Collection method: clinical testing. Allele origin: germline.
Comment: Has been reported in a patient with Marfan syndrome, who also carried a pathogenic variant in the FBN1 gene (Wooderchak-Donahue et al. (2015) Am. J. Med. Genet. A 167A (8):1747-57 (PMID: 25944730)); Not observed at significant frequency in large population cohorts (gnomAD); In silico analysis supports that this missense variant has a deleterious effect on protein structure/function; This variant is associated with the following publications: (PMID: 25944730)

Women's Health and Genetics/Laboratory Corporation of America, LabCorp
Classification: Likely benign. Last evaluated: 2024-07-23. Review status: criteria provided, single submitter. Criteria: LabCorp Variant Classification Summary - May 2015. Collection method: clinical testing. Allele origin: germline.
Comment: Variant summary: MYH11 c.2517G>C (p.Trp839Cys) results in a non-conservative amino acid change in the encoded protein sequence. Five of five in-silico tools predict a damaging effect of the variant on protein function. The variant allele was found at a frequency of 6.1e-05 in 1614046 control chromosomes. The observed variant frequency is approximately 5-fold of the estimated maximal expected allele frequency for a pathogenic variant in MYH11 causing Thoracic Aortic Aneurysms And Dissections phenotype (1.3e-05). c.2517G>C has been reported in the literature in an individual with a clinical diagnosis of Marfan Syndrome who also had a co-occurring pathogenic variant in FBN1 (c.7254dupT, p.Val2419CysfsX3), providing supporting evidence for a benign role (Wooderchak-Donahue_2015). To our knowledge, no experimental evidence demonstrating an impact on protein function has been reported. The following publication has been ascertained in the context of this evaluation (PMID: 25944730).ClinVar contains an entry for this variant (Variation ID: 180417). Based on the evidence outlined above, the variant was classified as likely benign.

Color Diagnostics, LLC DBA Color Health
Classification: Uncertain significance for Familial thoracic aortic aneurysm and aortic dissection. Last evaluated: 2024-02-08. Review status: criteria provided, single submitter. Criteria: ACMG Guidelines, 2015. Collection method: clinical testing. Allele origin: germline.
Comment: This missense variant replaces tryptophan with cysteine at codon 839 of the MYH11 protein. Computational prediction tools indicate that this variant has a deleterious impact on protein structure and function. To our knowledge, functional studies have not been reported for this variant. This variant has been reported in one individual affected with Marfan syndrome, who also carried a pathogenic truncation variant in the FBN1 gene (PMID: 25944730). This variant has also been reported in one individual affected with inherited thoracic aortic aneurysm disease, who also carried a pathogenic c.4210+1G>A variant in the FBN1 gene (doi:10.1016/j.hlc.2015.06.677). This variant has been identified in 5/282828 chromosomes in the general population by the Genome Aggregation Database (gnomAD). The available evidence is insufficient to determine the role of this variant in disease conclusively. Therefore, this variant is classified as a Variant of Uncertain Significance.

Victorian Clinical Genetics Services, Murdoch Childrens Research Institute
Classification: Uncertain significance for Aortic aneurysm, familial thoracic 4. Last evaluated: 2023-07-16. Review status: criteria provided, single submitter. Criteria: ACMG Guidelines, 2015. Collection method: clinical testing. Allele origin: germline. Inheritance: Autosomal dominant inheritance. Affected: yes.
Comment: Based on the classification scheme VCGS_Germline_v1.3.4, this variant is classified as VUS-3B. Following criteria are met: 0102 - Loss of function is a known mechanism of disease in this gene and is associated with megacystis-microcolon-intestinal hypoperistalsis syndrome 2 (MMIHS; MIM#619351). The disease mechanism for chronic intestinal pseudo-obstruction (CIPO), also known as visceral myopathy 2 (MIM#619350), and aortic aneurysm, familial thoracic 4 (AAFT; MIM#132900) is unclear, however loss of function and dominant negative have been suggested, respectively (PMID: 31944481). (I) 0108 - This gene is associated with both recessive and dominant disease. MMIHS is an autosomal recessive form of disease caused by both missense variants and those resulting in a premature termination codon. AAFT is autosomal dominant and has been reported in patients with splice, missense and inframe deletion variants. CIPO is autosomal dominant and has only been reported in patients with protein elongation variants exclusive to isoform SM2 (PMIDs: 31389005, 31944481). (I) 0112 - The aortic aneurysm associated with this gene has incomplete penetrance (PMIDs: 17666408, 22968129). (I) 0200 - Variant is predicted to result in a missense amino acid change from tryptophan to cysteine. (I) 0251 - This variant is heterozygous. (I) 0304 - Variant is present in gnomAD (v2 & v3) <0.001 (9 heterozygotes, 0 homozygotes). (SP) 0501 - Missense variant consistently predicted to be damaging by multiple in silico tools or highly conserved with a major amino acid change. (SP) 0604 - Variant is not located in an established domain, motif, hotspot or informative constraint region. (I) 0705 - No comparable missense variants have previous evidence for pathogenicity. (I) 0809 - Previous evidence of pathogenicity for this variant is inconclusive. This variant has been reported as a VUS by multiple clinical testing laboratories, including in two individuals with aortic aneurysm or mildly dilated ascending aorta, three individuals with Ehlers Danlos syndrome or “connective tissue and skeletal symptoms”, and multiple individuals without thoracic aortic aneurysm and aortic dissection (ClinVar, personal communication). It has also been reported as a VUS in two individuals with Marfan syndrome, each of whom also had a disease-causing FBN1 variant (PMID: 25944730; ClinVar, personal communication). (I) 0905 - No published segregation evidence has been identified for this variant. (I) 1007 - No published functional evidence has been identified for this variant. (I) 1208 - Inheritance information for this variant is not currently available in this individual. (I) Legend: (SP) - Supporting pathogenic, (I) - Information, (SB) - Supporting benign

All of Us Research Program, National Institutes of Health
Classification: Uncertain significance for Familial thoracic aortic aneurysm and aortic dissection. Last evaluated: 2023-07-13. Review status: criteria provided, single submitter. Criteria: ACMG Guidelines, 2015. Collection method: clinical testing. Allele origin: germline. Inheritance: Autosomal dominant inheritance. Observed: 3 variant alleles, 3 heterozygotes.
Comment: This missense variant replaces tryptophan with cysteine at codon 839 of the MYH11 protein. Computational prediction tools indicate that this variant has a deleterious impact on protein structure and function. To our knowledge, functional studies have not been reported for this variant. This variant has been reported in one individual affected with Marfan syndrome, who also carried a pathogenic truncation variant in the FBN1 gene (PMID: 25944730). This variant has also been reported in one individual affected with inherited thoracic aortic aneurysm disease, who also carried a pathogenic c.4210+1G>A variant in the FBN1 gene (doi:10.1016/j.hlc.2015.06.677). This variant has been identified in 5/282828 chromosomes in the general population by the Genome Aggregation Database (gnomAD). The available evidence is insufficient to determine the role of this variant in disease conclusively. Therefore, this variant is classified as a Variant of Uncertain Significance.

This study involves interpretation of variants in research participants for the purpose of population health screening. Participant phenotype was not available at the time of variant classification. Additional details can be found in publication PMID: 35346344, PMCID: PMC8962531

Ambry Genetics
Classification: Uncertain significance for Familial thoracic aortic aneurysm and aortic dissection. Last evaluated: 2022-05-31. Review status: criteria provided, single submitter. Criteria: Ambry Variant Classification Scheme 2023. Collection method: clinical testing. Allele origin: germline.
Comment: The p.W832C variant (also known as c.2496G>C), located in coding exon 19 of the MYH11 gene, results from a G to C substitution at nucleotide position 2496. The tryptophan at codon 832 is replaced by cysteine, an amino acid with highly dissimilar properties. This variant co-occurred with a frameshift variant in the FBN1 gene in an individual reported to have Marfan syndrome (Wooderchak-Donahue W et al. Am J Med Genet A, 2015 Aug;167A:1747-57). This amino acid position is highly conserved in available vertebrate species. In addition, this alteration is predicted to be deleterious by in silico analysis. Since supporting evidence is limited at this time, the clinical significance of this alteration remains unclear.

AiLife Diagnostics
Classification: Uncertain significance. Last evaluated: 2021-12-27. Review status: criteria provided, single submitter. Criteria: ACMG Guidelines, 2015. Collection method: clinical testing. Allele origin: germline. Affected: yes. Observed: 2 variant alleles.

Blueprint Genetics
Classification: Uncertain significance. Last evaluated: 2021-11-22. Review status: criteria provided, single submitter. Criteria: ACMG Guidelines, 2015. Collection method: clinical testing. Allele origin: germline.

Literature cited by the submitters: PubMed 25944730 (cited by 7 submitters); PubMed 17666408 (cited by Victorian Clinical Genetics Services, Murdoch Childrens Research Institute); PubMed 22968129 (cited by Victorian Clinical Genetics Services, Murdoch Childrens Research Institute); PubMed 31389005 (cited by Victorian Clinical Genetics Services, Murdoch Childrens Research Institute); PubMed 31944481 (cited by Victorian Clinical Genetics Services, Murdoch Childrens Research Institute).

NM_002474.3(MYH11):c.2496G>C (p.Trp832Cys)

Gene: MYH11 (myosin heavy chain 11; minus strand). Cytogenetic location: 16p13.11.
Variant type: single nucleotide variant.
Coding change: c.2496G>C on transcript NM_002474.3 (MANE Select); coding-DNA position 2496, G replaced by C.
Protein change: p.Trp832Cys; replaces tryptophan 832 with cysteine.
Molecular consequence: missense variant.
Genome position (GRCh38, 1-based): chr16:15,745,153, C>G on the plus strand (G>C on the coding strand, the complement: MYH11 is on the minus strand). VCF-style: chr16-15745153-C-G. GRCh37 (hg19) VCF-style: chr16-15839010-C-G.
Other names: c.2517G>C, p.Trp839Cys (NM_001040113.2, NM_001040114.2); c.2496G>C, p.Trp832Cys (NM_022844.3); short protein forms W839C, W832C.
Identifiers: ClinVar variation 180417 (VCV000180417.18), dbSNP rs369196744, ClinGen allele CA346461.